The following is an entry in ClinVar:

ClinVar aggregate classification (germline): Conflicting classifications of pathogenicity. Review status: criteria provided, conflicting classifications (1 of 4 stars). 5 submissions from 5 submitters: Uncertain significance (4); Likely benign (1). Last evaluated 2026-09-02.

Conditions:
Inborn genetic diseases. Identifiers: MedGen C0950123, MeSH D030342.
Curry-Hall syndrome (WAD). Also called: WEYERS ACRODENTAL DYSOSTOSIS. Identifiers: Orphanet 952, MedGen C0457013, MONDO:0008673, OMIM 193530.
Ellis-van Creveld syndrome (EVC). Also called: Chondroectodermal dysplasia; MESOECTODERMAL DYSPLASIA. Identifiers: Orphanet 289, MedGen C0013903, MONDO:0009162, OMIM 225500.
EVC2-related disorder. Also called: EVC2-related condition.

Allele frequency attached by ClinVar (database versions not stated): ExAC 0.00004; gnomAD 0.00005; TOPMed 0.00006; gnomAD exomes 0.00007; 1000 Genomes Project 30x 0.00016; 1000 Genomes Project 0.00020.

Submissions (5):

PreventionGenetics, part of Exact Sciences
Classification: Uncertain significance for EVC2-related condition. Last evaluated: 2026-09-02. Review status: criteria provided, single submitter. Criteria: ACMG Guidelines, 2015. Collection method: clinical testing. Allele origin: germline.
Comment: The EVC2 c.446G>A variant is predicted to result in the amino acid substitution p.Arg149His. To our knowledge, this variant has not been reported in the literature. This variant is reported in 0.020% of alleles in individuals of Latino descent in gnomAD. At this time, the clinical significance of this variant is uncertain due to the absence of conclusive functional and genetic evidence.

Labcorp Genetics (formerly Invitae), Labcorp
Classification: Uncertain significance for Curry-Hall syndrome; Ellis-van Creveld syndrome. Last evaluated: 2024-11-07. Review status: criteria provided, single submitter. Criteria: Invitae Variant Classification Sherloc (09022015). Collection method: clinical testing. Allele origin: germline.
Comment: This sequence change replaces arginine, which is basic and polar, with histidine, which is basic and polar, at codon 149 of the EVC2 protein (p.Arg149His). This variant is present in population databases (rs202198132, gnomAD 0.02%). This variant has not been reported in the literature in individuals affected with EVC2-related conditions. ClinVar contains an entry for this variant (Variation ID: 349097). An algorithm developed to predict the effect of missense changes on protein structure and function outputs the following: PolyPhen-2: "Benign". The histidine amino acid residue is found in multiple mammalian species, which suggests that this missense change does not adversely affect protein function. In summary, the available evidence is currently insufficient to determine the role of this variant in disease. Therefore, it has been classified as a Variant of Uncertain Significance.

Ambry Genetics
Classification: Likely benign for Inborn genetic diseases. Last evaluated: 2023-09-23. Review status: criteria provided, single submitter. Criteria: Ambry Variant Classification Scheme 2023. Collection method: clinical testing. Allele origin: germline.

ARUP Laboratories, Molecular Genetics and Genomics, ARUP Laboratories
Classification: Uncertain significance. Last evaluated: 2019-11-15. Review status: criteria provided, single submitter. Criteria: ARUP Molecular Germline Variant Investigation Process. Collection method: clinical testing. Allele origin: germline.
Comment: The EVC2 c.446G>A; p.Arg149His variant (rs202198132), to our knowledge, is not reported in the medical literature but is reported in ClinVar (Variation ID: 349097). This variant is found in the Latino population with an allele frequency of 0.020% (7/34590 alleles) in the Genome Aggregation Database. The arginine at codon 149 is weakly conserved, and computational analyses (SIFT, PolyPhen-2) predict that this variant is tolerated. Due to limited information, the clinical significance of the p.Arg149His variant is uncertain at this time.

Illumina Laboratory Services, Illumina
Classification: Uncertain significance for Ellis-van Creveld syndrome. Last evaluated: 2018-01-12. Review status: criteria provided, single submitter. Criteria: ICSL Variant Classification Criteria 13 December 2019. Collection method: clinical testing. Allele origin: germline.

NM_147127.5(EVC2):c.446G>A (p.Arg149His)

Gene: EVC2 (EvC ciliary complex subunit 2; minus strand). Cytogenetic location: 4p16.2.
Variant type: single nucleotide variant.
Coding change: c.446G>A on transcript NM_147127.5 (MANE Select); coding-DNA position 446, G replaced by A.
Protein change: p.Arg149His; replaces arginine 149 with histidine.
Molecular consequence: missense variant.
Genome position (GRCh38, 1-based): chr4:5,694,339, C>T on the plus strand (G>A on the coding strand, the complement: EVC2 is on the minus strand). VCF-style: chr4-5694339-C-T. GRCh37 (hg19) VCF-style: chr4-5696066-C-T.
Other names: c.206G>A, p.Arg69His (NM_001166136.2); short protein forms R149H, R69H.
Identifiers: ClinVar variation 349097 (VCV000349097.16), dbSNP rs202198132, ClinGen allele CA2835466.